The following is an entry in ClinVar:

ClinVar aggregate classification (germline): Pathogenic (1 of 4 stars; one submission).

Submission:

Labcorp Genetics (formerly Invitae), Labcorp
Classification: Pathogenic. Last evaluated: 2024-03-06. Review status: criteria provided, single submitter. Criteria: Invitae Variant Classification Sherloc (09022015). Collection method: clinical testing. Allele origin: germline.
Comment: This sequence change creates a premature translational stop signal (p.Gln134*) in the TG gene. It is expected to result in an absent or disrupted protein product. Loss-of-function variants in TG are known to be pathogenic (PMID: 19837936, 23164529). This variant is present in population databases (no rsID available, gnomAD 0.003%). This variant has not been reported in the literature in individuals affected with TG-related conditions. For these reasons, this variant has been classified as Pathogenic.

Literature cited by the submitters: PubMed 19837936; PubMed 23164529.

NM_003235.5(TG):c.400C>T (p.Gln134Ter)

Gene: TG (thyroglobulin; plus strand). Cytogenetic location: 8q24.22.
Variant type: single nucleotide variant.
Coding change: c.400C>T on transcript NM_003235.5 (MANE Select); coding-DNA position 400, C replaced by T.
Protein change: p.Gln134Ter; replaces glutamine 134 with a stop codon.
Molecular consequence: nonsense.
Genome position (GRCh38, 1-based): chr8:132,871,473, C>T. VCF-style: chr8-132871473-C-T. GRCh37 (hg19) VCF-style: chr8-133883718-C-T.
Other names: short protein forms Q134*.
Identifiers: ClinVar variation 3668297 (VCV003668297.2).